The following is an entry in ClinVar:

ClinVar aggregate classification (germline): Likely pathogenic (1 of 4 stars; one submission).

Conditions:
Intellectual developmental disorder, autosomal dominant 6, with or without seizures. Also called: GRIN2B-related developmental delay, intellectual disability and autism spectrum disorder; Intellectual disability, autosomal dominant 6. Identifiers: Orphanet 589547, MedGen C3151411, MONDO:0013509, OMIM 613970.
Developmental and epileptic encephalopathy, 27 (DEE27). Also called: Epileptic encephalopathy, early infantile, 27; GRIN2B-Related Neurodevelopmental Disorder. Identifiers: Orphanet 3451, MedGen C4015316, MONDO:0014505, OMIM 616139.

Submission:

Labcorp Genetics (formerly Invitae), Labcorp
Classification: Likely pathogenic for Developmental and epileptic encephalopathy, 27; Intellectual developmental disorder, autosomal dominant 6, with or without seizures. Last evaluated: 2023-03-21. Review status: criteria provided, single submitter. Criteria: Invitae Variant Classification Sherloc (09022015). Collection method: clinical testing. Allele origin: germline.
Comment: In summary, the currently available evidence indicates that the variant is pathogenic, but additional data are needed to prove that conclusively. Therefore, this variant has been classified as Likely Pathogenic. This variant disrupts the p.Val536 amino acid residue in GRIN2B. Other variant(s) that disrupt this residue have been determined to be pathogenic (PMID: 34008892). This suggests that this residue is clinically significant, and that variants that disrupt this residue are likely to be disease-causing. Advanced modeling of protein sequence and biophysical properties (such as structural, functional, and spatial information, amino acid conservation, physicochemical variation, residue mobility, and thermodynamic stability) performed at Invitae indicates that this missense variant is expected to disrupt GRIN2B protein function. This missense change has been observed in individual(s) with clinical features of GRIN2B-related condition (Invitae). This variant is not present in population databases (gnomAD no frequency). This sequence change replaces valine, which is neutral and non-polar, with alanine, which is neutral and non-polar, at codon 536 of the GRIN2B protein (p.Val536Ala).

Literature cited by the submitters: PubMed 34008892.

NM_000834.5(GRIN2B):c.1607T>C (p.Val536Ala)

Gene: GRIN2B (glutamate ionotropic receptor NMDA type subunit 2B; minus strand). Cytogenetic location: 12p13.1.
Variant type: single nucleotide variant.
Coding change: c.1607T>C on transcript NM_000834.5 (MANE Select); coding-DNA position 1607, T replaced by C.
Protein change: p.Val536Ala; replaces valine 536 with alanine.
Molecular consequence: missense variant.
Genome position (GRCh38, 1-based): chr12:13,615,161, A>G on the plus strand (T>C on the coding strand, the complement: GRIN2B is on the minus strand). VCF-style: chr12-13615161-A-G. GRCh37 (hg19) VCF-style: chr12-13768095-A-G.
Other names: c.1607T>C, p.Val536Ala (NM_001413992.1); short protein forms V536A.
Identifiers: ClinVar variation 2945623 (VCV002945623.3), dbSNP rs2497597954, ClinGen allele CA384051769.